The following is an entry in ClinVar:

NM_000111.3(SLC26A3):c.271+2T>C

Gene: SLC26A3 (solute carrier family 26 member 3; minus strand). Cytogenetic location: 7q22.3.
Variant type: single nucleotide variant.
Coding change: c.271+2T>C on transcript NM_000111.3 (MANE Select); the canonical splice donor site of the intron after coding-DNA position 271, T replaced by C.
Molecular consequence: splice donor variant.
Genome position (GRCh38, 1-based): chr7:107,793,740, A>G on the plus strand (T>C on the coding strand, the complement: SLC26A3 is on the minus strand). VCF-style: chr7-107793740-A-G. GRCh37 (hg19) VCF-style: chr7-107434185-A-G.
Identifiers: ClinVar variation 1489651 (VCV001489651.6), dbSNP rs2115885455, ClinGen allele CA368854044.

ClinVar aggregate classification (germline): Likely pathogenic (1 of 4 stars; one submission).

Submission:

Labcorp Genetics (formerly Invitae), Labcorp
Classification: Likely pathogenic. Last evaluated: 2021-12-01. Review status: criteria provided, single submitter. Criteria: Invitae Variant Classification Sherloc (09022015). Collection method: clinical testing. Allele origin: germline.
Comment: This sequence change affects a donor splice site in intron 3 of the SLC26A3 gene. It is expected to disrupt RNA splicing. Variants that disrupt the donor or acceptor splice site typically lead to a loss of protein function (PMID: 16199547), and loss-of-function variants in SLC26A3 are known to be pathogenic (PMID: 9718329, 21394828). This variant is not present in population databases (gnomAD no frequency). This variant has not been reported in the literature in individuals affected with SLC26A3-related conditions. Algorithms developed to predict the effect of sequence changes on RNA splicing suggest that this variant may disrupt the consensus splice site. In summary, the currently available evidence indicates that the variant is pathogenic, but additional data are needed to prove that conclusively. Therefore, this variant has been classified as Likely Pathogenic.

Literature cited by the submitters: PubMed 16199547; PubMed 9718329; PubMed 21394828.